The following is an entry in ClinVar:

NM_005995.5(TBX10):c.7+10G>A

Gene: TBX10 (T-box transcription factor 10; minus strand). Cytogenetic location: 11q13.2.
Variant type: single nucleotide variant.
Coding change: c.7+10G>A on transcript NM_005995.5 (MANE Select); 10 bases into the intron after coding-DNA position 7, G replaced by A.
Molecular consequence: intron variant.
Genome position (GRCh38, 1-based): chr11:67,639,456, C>T on the plus strand (G>A on the coding strand, the complement: TBX10 is on the minus strand). VCF-style: chr11-67639456-C-T. GRCh37 (hg19) VCF-style: chr11-67406927-C-T.
Identifiers: ClinVar variation 774627 (VCV000774627.6), dbSNP rs73490597, ClinGen allele CA6144164.
Genomic context (GRCh38, chr11:67,639,456, plus strand): 5'-CACCCTGCCCACCCACCCTGGAACCTGAGCCTGACCCATGAGGCCACCTCTGCTTCAGAA[C>T]GTAGCCTACCTGCCATGGAGACAGAGAGGCTGTCCGGCTCCTGGAGAAACACTGCTTGGC-3'

ClinVar aggregate classification (germline): Benign. Review status: criteria provided, multiple submitters, no conflicts (2 of 4 stars). 3 submissions from 3 submitters: Benign (2). 1 of the submissions does not count toward it. Last evaluated 2018-02-16.

Conditions:
TBX10-related disorder. Also called: TBX10-related condition.

Allele frequency attached by ClinVar (database versions not stated): gnomAD exomes 0.00114 and 0.00235; ExAC 0.00275; ESP Exome Variant Server 0.00986; TOPMed 0.01008; gnomAD 0.01091 and 0.01110; 1000 Genomes Project 30x 0.01374; 1000 Genomes Project 0.01398.
gnomAD v4.1: 2,874 of 1,387,918 alleles (0.21%); highest among the groups gnomAD compares: African/African-American, 3.9%; 44 homozygotes.

Submissions (3):

Labcorp Genetics (formerly Invitae), Labcorp
Classification: Benign. Last evaluated: 2018-02-16. Review status: criteria provided, single submitter. Criteria: Invitae Variant Classification Sherloc (09022015). Collection method: clinical testing. Allele origin: germline.

Breakthrough Genomics
Classification: Benign. Review status: criteria provided, single submitter. Criteria: ACMG Guidelines, 2015. Collection method: not provided. Allele origin: germline. Inheritance: Unknown mechanism. Affected: yes.

PreventionGenetics, part of Exact Sciences
Classification: Benign for TBX10-related condition. Last evaluated: 2019-04-11. Review status: no assertion criteria provided. Collection method: clinical testing. Allele origin: germline. Not counted in ClinVar's aggregate classification.
Comment: This variant is classified as benign based on ACMG/AMP sequence variant interpretation guidelines (Richards et al. 2015 PMID: 25741868, with internal and published modifications).